The following is an entry in ClinVar:

NM_005188.4(CBL):c.2249T>A (p.Phe750Tyr)

Gene: CBL (Cbl proto-oncogene; plus strand). Cytogenetic location: 11q23.3.
Variant type: single nucleotide variant.
Coding change: c.2249T>A on transcript NM_005188.4 (MANE Select); coding-DNA position 2249, T replaced by A.
Protein change: p.Phe750Tyr; replaces phenylalanine 750 with tyrosine.
Molecular consequence: missense variant.
Genome position (GRCh38, 1-based): chr11:119,297,479, T>A. VCF-style: chr11-119297479-T-A. GRCh37 (hg19) VCF-style: chr11-119168189-T-A.
Other names: short protein forms F750Y.
Identifiers: ClinVar variation 3485614 (VCV003485614.1).

ClinVar aggregate classification (germline): Uncertain significance (1 of 4 stars; one submission).

Conditions:
Cardiovascular phenotype. Identifiers: MedGen CN230736.

Submission:

Ambry Genetics
Classification: Uncertain significance for Cardiovascular phenotype. Last evaluated: 2024-11-24. Review status: criteria provided, single submitter. Criteria: Ambry Variant Classification Scheme 2023. Collection method: clinical testing. Allele origin: germline.
Comment: The p.F750Y variant (also known as c.2249T>A), located in coding exon 14 of the CBL gene, results from a T to A substitution at nucleotide position 2249. The phenylalanine at codon 750 is replaced by tyrosine, an amino acid with highly similar properties. This amino acid position is conserved. In addition, this alteration is predicted to be tolerated by in silico analysis. Based on the available evidence, the clinical significance of this variant remains unclear.